The following is an entry in ClinVar:

ClinVar aggregate classification (germline): Uncertain significance (1 of 4 stars; one submission).

Submission:

Labcorp Genetics (formerly Invitae), Labcorp
Classification: Uncertain significance. Last evaluated: 2022-08-03. Review status: criteria provided, single submitter. Criteria: Invitae Variant Classification Sherloc (09022015). Collection method: clinical testing. Allele origin: germline.
Comment: This sequence change replaces phenylalanine, which is neutral and non-polar, with serine, which is neutral and polar, at codon 1018 of the NCKAP1L protein (p.Phe1018Ser). This variant is not present in population databases (gnomAD no frequency). This variant has not been reported in the literature in individuals affected with NCKAP1L-related conditions. Algorithms developed to predict the effect of missense changes on protein structure and function (SIFT, PolyPhen-2, Align-GVGD) all suggest that this variant is likely to be tolerated. In summary, the available evidence is currently insufficient to determine the role of this variant in disease. Therefore, it has been classified as a Variant of Uncertain Significance.

NM_005337.5(NCKAP1L):c.3053T>C (p.Phe1018Ser)

Gene: NCKAP1L (NCK associated protein 1 like; plus strand). Cytogenetic location: 12q13.2.
Variant type: single nucleotide variant.
Coding change: c.3053T>C on transcript NM_005337.5 (MANE Select); coding-DNA position 3053, T replaced by C.
Protein change: p.Phe1018Ser; replaces phenylalanine 1018 with serine.
Molecular consequence: missense variant.
Genome position (GRCh38, 1-based): chr12:54,536,225, T>C. VCF-style: chr12-54536225-T-C. GRCh37 (hg19) VCF-style: chr12-54930009-T-C.
Other names: c.2903T>C, p.Phe968Ser (NM_001184976.2); short protein forms F1018S, F968S.
Identifiers: ClinVar variation 2019378 (VCV002019378.1), dbSNP rs2498636606, ClinGen allele CA385144735.